The following is an entry in ClinVar:

NM_001776.6(ENTPD1):c.19T>G (p.Ser7Ala)

Genes: ENTPD1-AS1 (ENTPD1 antisense RNA 1; minus strand), ENTPD1 (ectonucleoside triphosphate diphosphohydrolase 1; plus strand). Cytogenetic location: 10q24.1.
Variant type: single nucleotide variant.
Coding change: c.19T>G on transcript NM_001776.6 (MANE Select); coding-DNA position 19, T replaced by G.
Protein change: p.Ser7Ala; replaces serine 7 with alanine.
Molecular consequence: missense variant. On other transcripts: 5 prime UTR variant (2), intron variant (2).
Genome position (GRCh38, 1-based): chr10:95,823,239, T>G. VCF-style: chr10-95823239-T-G. GRCh37 (hg19) VCF-style: chr10-97582996-T-G.
Other names: c.40T>G, p.Ser14Ala (NM_001098175.2); c.55T>G, p.Ser19Ala (NM_001164178.1, NM_001320916.1); c.19T>G, p.Ser7Ala (NM_001164179.2); c.-245T>G (NM_001164182.2); c.-127T>G (NM_001164183.2); c.-181+12433T>G (NM_001312654.1); c.-180-16452T>G (NM_001164181.1); short protein forms S19A, S14A, S7A.
Identifiers: ClinVar variation 1899010 (VCV001899010.7), dbSNP rs201306382, ClinGen allele CA5621306.

ClinVar aggregate classification (germline): Uncertain significance. Review status: criteria provided, multiple submitters, no conflicts (2 of 4 stars). 2 submissions from 2 submitters: Uncertain significance (2). Last evaluated 2024-02-24.

Conditions:
Inborn genetic diseases. Identifiers: MedGen C0950123, MeSH D030342.
Hereditary spastic paraplegia 64. Also called: ENTPD1-Related Neurodevelopmental Disorder; Spastic paraplegia 64, autosomal recessive. Identifiers: Orphanet 401810, MedGen C3810289, MONDO:0014303, OMIM 615683.

Allele frequency attached by ClinVar (database versions not stated): gnomAD 0.00002; ExAC 0.00003; 1000 Genomes Project 0.00020; 1000 Genomes Project 30x 0.00031.
gnomAD v4.1: 106 of 1,614,050 alleles (0.0066%); highest among the groups gnomAD compares: Non-Finnish European, 0.0089%; no homozygotes.

Submissions (2):

Labcorp Genetics (formerly Invitae), Labcorp
Classification: Uncertain significance for Hereditary spastic paraplegia 64. Last evaluated: 2024-02-24. Review status: criteria provided, single submitter. Criteria: Invitae Variant Classification Sherloc (09022015). Collection method: clinical testing. Allele origin: germline.
Comment: This sequence change replaces serine, which is neutral and polar, with alanine, which is neutral and non-polar, at codon 7 of the ENTPD1 protein (p.Ser7Ala). This variant is present in population databases (rs201306382, gnomAD 0.005%). This variant has not been reported in the literature in individuals affected with ENTPD1-related conditions. ClinVar contains an entry for this variant (Variation ID: 1899010). An algorithm developed to predict the effect of missense changes on protein structure and function (PolyPhen-2) suggests that this variant is likely to be tolerated. In summary, the available evidence is currently insufficient to determine the role of this variant in disease. Therefore, it has been classified as a Variant of Uncertain Significance.

Ambry Genetics
Classification: Uncertain significance for Inborn genetic diseases. Last evaluated: 2023-05-24. Review status: criteria provided, single submitter. Criteria: Ambry Variant Classification Scheme 2023. Collection method: clinical testing. Allele origin: germline.